The following is an entry in ClinVar:

ClinVar aggregate classification (germline): Benign/Likely benign. Review status: criteria provided, multiple submitters, no conflicts (2 of 4 stars). 2 submissions from 2 submitters: Benign (1); Likely benign (1). Last evaluated 2025-03-03.

Conditions:
Hereditary cancer-predisposing syndrome. Also called: Tumor predisposition; Hereditary Cancer Syndrome; Neoplastic Syndromes, Hereditary; Hereditary neoplastic syndrome. Identifiers: Orphanet 140162, MedGen C0027672, MeSH D009386, MONDO:0015356.
Pheochromocytoma/paraganglioma syndrome 5. Also called: Paragangliomas 5; SDHA-Related Hereditary Paraganglioma-Pheochromocytoma Syndrome. Identifiers: Orphanet 29072, MedGen C3279992, MONDO:0013602, OMIM 614165.

Submissions (2):

Myriad Genetics, Inc.
Classification: Benign for Pheochromocytoma/paraganglioma syndrome 5. Last evaluated: 2025-03-03. Review status: criteria provided, single submitter. Criteria: Myriad Autosomal Dominant, Autosomal Recessive and X-Linked Classification Criteria (2023). Collection method: clinical testing. Allele origin: unknown.
Comment: This variant is considered benign. This variant is a silent/synonymous amino acid change and it is not expected to impact splicing.

Ambry Genetics
Classification: Likely benign for Hereditary cancer-predisposing syndrome. Last evaluated: 2023-10-10. Review status: criteria provided, single submitter. Criteria: Ambry Variant Classification Scheme 2023. Collection method: clinical testing. Allele origin: germline.

NM_004168.4(SDHA):c.756T>C (p.Thr252=)

Gene: SDHA (succinate dehydrogenase complex flavoprotein subunit A; plus strand). Cytogenetic location: 5p15.33.
Variant type: single nucleotide variant.
Coding change: c.756T>C on transcript NM_004168.4 (MANE Select); coding-DNA position 756, T replaced by C.
Protein change: p.Thr252=; no amino-acid change (threonine 252 retained).
Molecular consequence: synonymous variant.
Genome position (GRCh38, 1-based): chr5:228,319, T>C. VCF-style: chr5-228319-T-C. GRCh37 (hg19) VCF-style: chr5-228434-T-C.
Other names: c.612T>C, p.Thr204= (NM_001294332.2); c.756T>C, p.Thr252= (NM_001330758.2).
Identifiers: ClinVar variation 3223755 (VCV003223755.2), dbSNP rs2477317614, ClinGen allele CA442691392.
Genomic context (GRCh38, chr5:228,319, plus strand): 5'-TGGTGTCATCGCACTGTGCATAGAGGACGGGTCCATCCATCGCATAAGAGCAAAGAACAC[T>C]GTTGTTGCCACAGGGTAGGAATCTCATTTCTACTTTATTTTGTTTATAAAAATGAATAAA-3'
Protein context (NP_004159.2, residues 242-262): GSIHRIRAKN[Thr252=]VVATGGYGRT